The following is an entry in ClinVar:

NM_000455.5(STK11):c.1108+10G>A

Genes: STK11 (serine/threonine kinase 11; plus strand), LOC130062899 (ATAC-STARR-seq lymphoblastoid active region 13597; plus strand). Cytogenetic location: 19p13.3.
Variant type: single nucleotide variant.
Coding change: c.1108+10G>A on transcript NM_000455.5 (MANE Select); 10 bases into the intron after coding-DNA position 1108, G replaced by A.
Molecular consequence: intron variant.
Genome position (GRCh38, 1-based): chr19:1,223,182, G>A. VCF-style: chr19-1223182-G-A. GRCh37 (hg19) VCF-style: chr19-1223181-G-A.
Other names: c.1108+10G>A (NM_001407255.1).
Identifiers: ClinVar variation 3903564 (VCV003903564.1).

ClinVar aggregate classification (germline): Likely benign (1 of 4 stars; one submission).

Conditions:
Peutz-Jeghers syndrome (PJS). Also called: POLYPOSIS, HAMARTOMATOUS INTESTINAL; POLYPS-AND-SPOTS SYNDROME; Peutz-Jeghers polyposis; Periorificial lentiginosis syndrome. Identifiers: Orphanet 2869, MedGen C0031269, MeSH D010580, MONDO:0008280, OMIM 175200.

Submission:

Myriad Genetics, Inc.
Classification: Likely benign for Peutz-Jeghers syndrome. Last evaluated: 2025-03-28. Review status: criteria provided, single submitter. Criteria: Myriad Autosomal Dominant, Autosomal Recessive and X-Linked Classification Criteria (2023). Collection method: clinical testing. Allele origin: unknown.
Comment: This variant is considered likely benign. This variant is intronic and is not expected to impact mRNA splicing.